The following is an entry in ClinVar:

ClinVar aggregate classification (germline): Benign/Likely benign. Review status: criteria provided, multiple submitters, no conflicts (2 of 4 stars). 4 submissions from 4 submitters: Benign (1); Likely benign (3). Last evaluated 2025-12-30.

Conditions:
GJB3-related disorder. Also called: GJB3-related condition.
Erythrokeratodermia variabilis et progressiva 1 (EKVP1). Also called: ERYTHROKERATODERMIA FIGURATA, CONGENITAL FAMILIAL, IN PLAQUES; ERYTHROKERATODERMIA VARIABILIS WITH ERYTHEMA GYRATUM REPENS; ERYTHROKERATODERMIA, PROGRESSIVE SYMMETRIC. Identifiers: Orphanet 317, MedGen C4551486, MONDO:0033010, OMIM 133200.

Allele frequency attached by ClinVar (database versions not stated): TOPMed 0.00018; ESP Exome Variant Server 0.00008; gnomAD 0.00012; gnomAD exomes 0.00014; ExAC 0.00015.
gnomAD v4.1: 184 of 1,614,164 alleles (0.011%); highest among the groups gnomAD compares: Middle Eastern, 0.049%; no homozygotes.

Submissions (4):

Labcorp Genetics (formerly Invitae), Labcorp
Classification: Likely benign. Last evaluated: 2025-12-30. Review status: criteria provided, single submitter. Criteria: Invitae Variant Classification Sherloc (09022015). Collection method: clinical testing. Allele origin: germline.

PreventionGenetics, part of Exact Sciences
Classification: Likely benign for GJB3-related condition. Last evaluated: 2024-11-20. Review status: criteria provided, single submitter. Criteria: ACMG Guidelines, 2015. Collection method: clinical testing. Allele origin: germline.
Comment: This variant is classified as likely benign based on ACMG/AMP sequence variant interpretation guidelines (Richards et al. 2015 PMID: 25741868, with internal and published modifications).

Illumina Laboratory Services, Illumina
Classification: Benign for Erythrokeratodermia variabilis et progressiva 1. Last evaluated: 2018-01-13. Review status: criteria provided, single submitter. Criteria: ICSL Variant Classification Criteria 13 December 2019. Collection method: clinical testing. Allele origin: germline.
Comment: This variant was observed in the ICSL laboratory as part of a predisposition screen in an ostensibly healthy population. It had not been previously curated by ICSL or reported in the Human Gene Mutation Database (HGMD: prior to June 1st, 2018), and was therefore a candidate for classification through an automated scoring system. Utilizing variant allele frequency, disease prevalence and penetrance estimates, and inheritance mode, an automated score was calculated to assess if this variant is too frequent to cause the disease. Based on the score and internal cut-off values, a variant classified as benign is not then subjected to further curation. The score for this variant resulted in a classification of benign for this disease.

Laboratory for Molecular Medicine, Mass General Brigham Personalized Medicine
Classification: Likely benign. Last evaluated: 2012-04-30. Review status: criteria provided, single submitter. Criteria: LMM Criteria. Collection method: clinical testing. Allele origin: germline. Observed: 1 variant allele.
Comment: His124His in Exon 02 of GJB3: This variant is not expected to have clinical sign ificance because it does not alter an amino acid residue, is not located within the splice consensus sequence, and has been identified in 1/7020 European Americ an chromosomes from a broad population by the NHLBI Exome Sequencing Project (dbSNP rs145436095).

NM_024009.3(GJB3):c.372C>T (p.His124=)

Gene: GJB3 (gap junction protein beta 3; plus strand). Cytogenetic location: 1p34.3.
Variant type: single nucleotide variant.
Coding change: c.372C>T on transcript NM_024009.3 (MANE Select); coding-DNA position 372, C replaced by T.
Protein change: p.His124=; no amino-acid change (histidine 124 retained).
Molecular consequence: synonymous variant.
Genome position (GRCh38, 1-based): chr1:34,785,134, C>T. VCF-style: chr1-34785134-C-T. GRCh37 (hg19) VCF-style: chr1-35250735-C-T.
Other names: c.372C>T, p.His124= (NM_001005752.2).
Identifiers: ClinVar variation 178349 (VCV000178349.16), dbSNP rs145436095, ClinGen allele CA182154.